The following is an entry in ClinVar:

ClinVar aggregate classification (germline): Conflicting classifications of pathogenicity. Review status: criteria provided, conflicting classifications (1 of 4 stars). 8 submissions from 8 submitters: Pathogenic (3); Likely pathogenic (2); Uncertain significance (1). 2 of the submissions do not count toward it. Last evaluated 2024-06-28.

Conditions:
HBB-related disorder. Also called: HBB-related disorders; HBB-related condition. Identifiers: MedGen CN239378.
beta Thalassemia (BTHAL). Also called: Cooley's anemia; Erythroblastic anemia; Mediterranean anemia. Identifiers: Orphanet 848, MedGen C0005283, MONDO:0019402. Disease mechanism: loss of function.

Submissions (8):

Natera, Inc.
Classification: Pathogenic for Beta thalassemia. Last evaluated: 2024-06-28. Review status: criteria provided, single submitter. Criteria: Natera Variant Classification Schema (03/2026). Collection method: clinical testing. Allele origin: germline.
Comment: The c.90C>T variant in HBB is a synonymous variant that does not alter the encoded amino acid at position 30 (p.G30=). This variant is rare in the general population with a frequency below the threshold expected for the associated phenotype(s). This variant has been observed in one or more individuals affected with the associated recessive disease, as either homozygous or compound heterozygous with a second variant (PMID: 10776695, 9450794). Additionally, this variant has been observed to segregate in affected family members (PMID: 10776695, 9450794). Computational prediction algorithms indicate this variant is likely to affect gene or protein function. Given the available evidence, this variant is classified as Pathogenic.

Blueprint Genetics
Classification: Pathogenic for HBB-related disorders. Last evaluated: 2024-02-16. Review status: criteria provided, single submitter. Criteria: ACMG Guidelines, 2015. Collection method: clinical testing. Allele origin: germline. Affected: yes. Observed: 3 variant alleles.

Quest Diagnostics Nichols Institute San Juan Capistrano
Classification: Uncertain significance. Last evaluated: 2023-08-29. Review status: criteria provided, single submitter. Criteria: Quest Diagnostics criteria. Collection method: clinical testing. Allele origin: unknown.
Comment: The HBB c.90C>T (p.Gly30=) synonymous variant has been reported in the published literature in individuals affected with beta(+) thalassemia (PMID: 7786794 (1995), 3828533 (1987)). Additionally, this variant might affect splicing and this might cause the observed beta(+) phenotype in one study (PMID: 3828533 (1987)), and low expression levels of hemoglobin in another study (PMID: 7786794 (1995)). The frequency of this variant in the general population, 0.000004 (1/251342 chromosomes (Genome Aggregation Database)), is uninformative in the assessment of its pathogenicity. Analysis of this variant using software algorithms for the prediction of the effect of nucleotide changes on HBB mRNA splicing yielded inconclusive findings . Based on the available information, we are unable to determine the clinical significance of this variant.

Revvity Omics, Revvity
Classification: Likely pathogenic. Last evaluated: 2022-05-06. Review status: criteria provided, single submitter. Criteria: ACMG Guidelines, 2015. Collection method: clinical testing. Allele origin: germline.

Clinical Genetics and Genomics, Karolinska University Hospital
Classification: Likely pathogenic. Last evaluated: 2019-01-31. Review status: criteria provided, single submitter. Criteria: ACMG Guidelines, 2015. Collection method: clinical testing. Allele origin: germline. Affected: yes. Observed: 1 variant allele.

Women's Health and Genetics/Laboratory Corporation of America, LabCorp
Classification: Pathogenic for beta Thalassemia. Last evaluated: 2016-12-07. Review status: criteria provided, single submitter. Criteria: LabCorp Variant Classification Summary - May 2015. Collection method: clinical testing. Allele origin: germline.
Comment: Variant summary: The HBB c.90C>T (p.Gly30Gly) variant involves the alteration of a conserved nucleotide, resulting in a synonymous change. One in silico tool predicts a damaging outcome for this variant. 4/5 splice prediction tools predict that this varaint may create a novel 5' splicing donor site and a frameshift change. However, these predictions have yet to be confirmed by functional studies. This variant was found in 1/121334 control chromosomes at a frequency of 0.0000082, which does not exceed the estimated maximal expected allele frequency of a pathogenic HBB variant (0.0111803). However, this variant has been reported as a mild beta+ type mutation in numerous patients with beta thalassemia intermedia in homozygous and compound heterozygous states. Ithanet lists variant as a globin gene causative mutation. Taken together, this variant is classified as pathogenic.

Molecular Genetics Laboratory, BC Children's and BC Women's Hospitals
Classification: Pathogenic for beta Thalassemia. Last evaluated: 2021-10-15. Review status: no assertion criteria provided. Criteria: ACMG Guidelines, 2015. Collection method: clinical testing. Allele origin: germline. Affected: yes. Not counted in ClinVar's aggregate classification.

The ITHANET community portal, The Cyprus Institute of Neurology and Genetics
Classification: Pathogenic for beta Thalassemia. Last evaluated: 2019-11-25. Review status: no assertion criteria provided. Collection method: curation. Allele origin: germline. Not counted in ClinVar's aggregate classification.

Literature cited by the submitters: PubMed 10776695 (cited by Natera, Inc. and Women's Health and Genetics/Laboratory Corporation of America, LabCorp); PubMed 9450794 (cited by Natera, Inc.); PubMed 26076395 (cited by Quest Diagnostics Nichols Institute San Juan Capistrano); PubMed 20437613 (cited by Quest Diagnostics Nichols Institute San Juan Capistrano); PubMed 26084319 (cited by Quest Diagnostics Nichols Institute San Juan Capistrano); PubMed 25677748 (cited by Quest Diagnostics Nichols Institute San Juan Capistrano and Women's Health and Genetics/Laboratory Corporation of America, LabCorp); PubMed 3828533 (cited by 3 submitters); PubMed 7786794 (cited by Quest Diagnostics Nichols Institute San Juan Capistrano).

NM_000518.5(HBB):c.90C>T (p.Gly30=)

Genes: HBB (hemoglobin subunit beta; minus strand), LOC106099062 (HBB recombination region; plus strand), LOC107133510 (origin of replication at HBB; plus strand). Cytogenetic location: 11p15.4.
Variant type: single nucleotide variant.
Coding change: c.90C>T on transcript NM_000518.5 (MANE Select); coding-DNA position 90, C replaced by T.
Protein change: p.Gly30=; no amino-acid change (glycine 30 retained).
Molecular consequence: synonymous variant.
Genome position (GRCh38, 1-based): chr11:5,226,932, G>A on the plus strand (C>T on the coding strand, the complement: HBB is on the minus strand). VCF-style: chr11-5226932-G-A. GRCh37 (hg19) VCF-style: chr11-5248162-G-A.
Other names: CD 29 (C>T) or IVS I (-3) GGC>GGT (Gly>Gly).
Identifiers: ClinVar variation 38682 (VCV000038682.19), dbSNP rs35578002, ClinGen allele CA5839812.